The following is an entry in ClinVar:

NM_001267550.2(TTN):c.52472G>A (p.Trp17491Ter)

Genes: TTN-AS1 (TTN antisense RNA 1; plus strand), TTN (titin; minus strand). Cytogenetic location: 2q31.2.
Variant type: single nucleotide variant.
Coding change: c.52472G>A on transcript NM_001267550.2 (MANE Select); coding-DNA position 52472, G replaced by A.
Protein change: p.Trp17491Ter; replaces tryptophan 17491 with a stop codon.
Molecular consequence: nonsense.
Genome position (GRCh38, 1-based): chr2:178,608,411, C>T on the plus strand (G>A on the coding strand, the complement: TTN is on the minus strand). VCF-style: chr2-178608411-C-T. GRCh37 (hg19) VCF-style: chr2-179473138-C-T.
Other names: c.47549G>A, p.Trp15850Ter (NM_001256850.1); c.25277G>A, p.Trp8426Ter (NM_003319.4); c.44768G>A, p.Trp14923Ter (NM_133378.4); c.25652G>A, p.Trp8551Ter (NM_133432.3); c.25853G>A, p.Trp8618Ter (NM_133437.4); short protein forms W14923*, W15850*, W17491*, W8426*, W8551*, W8618*.
Identifiers: ClinVar variation 3748842 (VCV003748842.2).

ClinVar aggregate classification (germline): Likely pathogenic (1 of 4 stars; one submission).

Conditions:
Dilated cardiomyopathy 1G (CMD1G). Identifiers: Orphanet 154, MedGen C1858763, MONDO:0011400, OMIM 604145.
Autosomal recessive limb-girdle muscular dystrophy type 2J (LGMDR10). Also called: Limb-girdle muscular dystrophy, type 2J; MUSCULAR DYSTROPHY, LIMB-GIRDLE, AUTOSOMAL RECESSIVE 10. Identifiers: Orphanet 140922, MedGen C1837342, MONDO:0012127, OMIM 608807.

Submission:

Labcorp Genetics (formerly Invitae), Labcorp
Classification: Likely pathogenic for Dilated cardiomyopathy 1G; Autosomal recessive limb-girdle muscular dystrophy type 2J. Last evaluated: 2024-09-29. Review status: criteria provided, single submitter. Criteria: Invitae Variant Classification Sherloc (09022015). Collection method: clinical testing. Allele origin: germline.
Comment: This sequence change creates a premature translational stop signal (p.Trp17491*) in the TTN gene. While this is not anticipated to result in nonsense mediated decay, it is expected to create a truncated TTN protein. This variant is not present in population databases (gnomAD no frequency). This premature translational stop signal has been observed in individual(s) with clinical features of TTN-related conditions (PMID: 37526466). This variant is located in the A band of TTN (PMID: 25589632). Truncating variants in this region are significantly overrepresented in patients affected with dilated cardiomyopathy (PMID: 25589632). Truncating variants in this region have also been reported in individuals affected with autosomal recessive centronuclear myopathy (PMID: 23975875). In summary, the currently available evidence indicates that the variant is pathogenic, but additional data are needed to prove that conclusively. Therefore, this variant has been classified as Likely Pathogenic.

Literature cited by the submitters: PubMed 37526466; PubMed 25589632; PubMed 23975875.